The following is an entry in ClinVar:

NM_001079.4(ZAP70):c.403-3T>C

Gene: ZAP70 (zeta chain of T cell receptor associated protein kinase 70; plus strand). Cytogenetic location: 2q11.2.
Variant type: single nucleotide variant.
Coding change: c.403-3T>C on transcript NM_001079.4 (MANE Select); 3 bases into the intron before coding-DNA position 403, T replaced by C.
Molecular consequence: intron variant.
Genome position (GRCh38, 1-based): chr2:97,725,089, T>C. VCF-style: chr2-97725089-T-C. GRCh37 (hg19) VCF-style: chr2-98341552-T-C.
Other names: c.403-3T>C (NM_001378594.1).
Identifiers: ClinVar variation 844991 (VCV000844991.10), dbSNP rs202193449, ClinGen allele CA52553853.
Genomic context (GRCh38, chr2:97,725,089, plus strand): 5'-AAGGGGGTTCCTGTGGCGAGCACTTGGCCACACCTACAGACCTCCTCGCCTCTCCTTTTC[T>C]AGGGCGAGGCCCTGGAGCAGGCCATCATCAGCCAGGCCCCGCAGGTGGAGAAGCTCATTG-3'

ClinVar aggregate classification (germline): Uncertain significance. Review status: criteria provided, multiple submitters, no conflicts (2 of 4 stars). 2 submissions from 2 submitters: Uncertain significance (2). Last evaluated 2021-09-01.

Conditions:
Combined immunodeficiency due to ZAP70 deficiency (IMD48). Also called: ZAP70 Deficiency; Immunodeficiency 48. Identifiers: Orphanet 911, MedGen C2931299, MONDO:0010023, OMIM 269840.

Allele frequency attached by ClinVar (database versions not stated): gnomAD 0.00001; TOPMed 0.00001; gnomAD exomes below 0.00001 and 0.00001.
gnomAD v4.1: 16 of 1,613,830 alleles (0.00099%); highest among the groups gnomAD compares: Non-Finnish European, 0.0013%; no homozygotes.

Submissions (2):

Labcorp Genetics (formerly Invitae), Labcorp
Classification: Uncertain significance for Combined immunodeficiency due to ZAP70 deficiency. Last evaluated: 2021-09-01. Review status: criteria provided, single submitter. Criteria: Invitae Variant Classification Sherloc (09022015). Collection method: clinical testing. Allele origin: germline.
Comment: This sequence change falls in intron 3 of the ZAP70 gene. It does not directly change the encoded amino acid sequence of the ZAP70 protein. It affects a nucleotide within the consensus splice site of the intron. This variant is not present in population databases (ExAC no frequency). This variant has not been reported in the literature in individuals affected with ZAP70-related conditions. Variants that disrupt the consensus splice site are a relatively common cause of aberrant splicing (PMID: 17576681, 9536098). Algorithms developed to predict the effect of sequence changes on RNA splicing suggest that this variant is not likely to affect RNA splicing. In summary, the available evidence is currently insufficient to determine the role of this variant in disease. Therefore, it has been classified as a Variant of Uncertain Significance.

Illumina Laboratory Services, Illumina
Classification: Uncertain significance for Combined immunodeficiency due to ZAP70 deficiency. Last evaluated: 2017-04-27. Review status: criteria provided, single submitter. Criteria: ICSL Variant Classification Criteria 13 December 2019. Collection method: clinical testing. Allele origin: germline.

Literature cited by the submitters: PubMed 17576681 (cited by Labcorp Genetics (formerly Invitae), Labcorp); PubMed 9536098 (cited by Labcorp Genetics (formerly Invitae), Labcorp).